The following is an entry in ClinVar:

NM_004859.4(CLTC):c.3600+5G>A

Gene: CLTC (clathrin heavy chain; plus strand). Cytogenetic location: 17q23.1.
Variant type: single nucleotide variant.
Coding change: c.3600+5G>A on transcript NM_004859.4 (MANE Select); 5 bases into the intron after coding-DNA position 3600, G replaced by A.
Molecular consequence: intron variant.
Genome position (GRCh38, 1-based): chr17:59,682,433, G>A. VCF-style: chr17-59682433-G-A. GRCh37 (hg19) VCF-style: chr17-57759794-G-A.
Other names: c.3612+5G>A (NM_001288653.2).
Identifiers: ClinVar variation 2032475 (VCV002032475.4), dbSNP rs2509152892, ClinGen allele CA2580094375.

ClinVar aggregate classification (germline): Uncertain significance (1 of 4 stars; one submission).

Submission:

Labcorp Genetics (formerly Invitae), Labcorp
Classification: Uncertain significance. Last evaluated: 2022-09-24. Review status: criteria provided, single submitter. Criteria: Invitae Variant Classification Sherloc (09022015). Collection method: clinical testing. Allele origin: germline.
Comment: This sequence change falls in intron 22 of the CLTC gene. It does not directly change the encoded amino acid sequence of the CLTC protein. It affects a nucleotide within the consensus splice site. This variant is not present in population databases (gnomAD no frequency). This variant has not been reported in the literature in individuals affected with CLTC-related conditions. Variants that disrupt the consensus splice site are a relatively common cause of aberrant splicing (PMID: 17576681, 9536098). Algorithms developed to predict the effect of sequence changes on RNA splicing suggest that this variant may disrupt the consensus splice site. In summary, the available evidence is currently insufficient to determine the role of this variant in disease. Therefore, it has been classified as a Variant of Uncertain Significance.

Literature cited by the submitters: PubMed 17576681; PubMed 9536098.